The following is an entry in ClinVar:

ClinVar aggregate classification (germline): Uncertain significance (1 of 4 stars; one submission).

Submission:

Labcorp Genetics (formerly Invitae), Labcorp
Classification: Uncertain significance. Last evaluated: 2025-07-30. Review status: criteria provided, single submitter. Criteria: Invitae Variant Classification Sherloc (09022015). Collection method: clinical testing. Allele origin: germline.
Comment: This sequence change replaces alanine, which is neutral and non-polar, with valine, which is neutral and non-polar, at codon 451 of the ATP1A1 protein (p.Ala451Val). This variant is not present in population databases (gnomAD no frequency). This variant has not been reported in the literature in individuals affected with ATP1A1-related conditions. Invitae Evidence Modeling of protein sequence and biophysical properties (such as structural, functional, and spatial information, amino acid conservation, physicochemical variation, residue mobility, and thermodynamic stability) indicates that this missense variant is expected to disrupt ATP1A1 protein function with a positive predictive value of 80%. In summary, the available evidence is currently insufficient to determine the role of this variant in disease. Therefore, it has been classified as a Variant of Uncertain Significance.

NM_000701.8(ATP1A1):c.1352C>T (p.Ala451Val)

Genes: ATP1A1 (ATPase Na+/K+ transporting subunit alpha 1; plus strand), ATP1A1-AS1 (ATP1A1 antisense RNA 1; minus strand). Cytogenetic location: 1p13.1.
Variant type: single nucleotide variant.
Coding change: c.1352C>T on transcript NM_000701.8 (MANE Select); coding-DNA position 1352, C replaced by T.
Protein change: p.Ala451Val; replaces alanine 451 with valine.
Molecular consequence: missense variant. On other transcripts: non-coding transcript variant (1).
Genome position (GRCh38, 1-based): chr1:116,392,873, C>T. VCF-style: chr1-116392873-C-T. GRCh37 (hg19) VCF-style: chr1-116935495-C-T.
Other names: c.1352C>T, p.Ala451Val (NM_001160233.2); c.1259C>T, p.Ala420Val (NM_001160234.2); short protein forms A420V, A451V.
Identifiers: ClinVar variation 4746643 (VCV004746643.1).
Genomic context (GRCh38, chr1:116,392,873, plus strand): 5'-ATTTTTTGGAGATAATTTACAGATGATGTCTCTGTTCACAGCGGGCAGTTGCAGGAGATG[C>T]CTCTGAGTCAGCACTCTTAAAGTGCATAGAGCTGTGCTGTGGTTCCGTGAAGGAGATGAG-3'
Protein context (NP_000692.2, residues 441-461): PILKRAVAGD[Ala451Val]SESALLKCIE